The following is an entry in ClinVar:

NM_000245.4(MET):c.1648G>A (p.Glu550Lys)

Gene: MET (MET proto-oncogene, receptor tyrosine kinase; plus strand). Cytogenetic location: 7q31.2.
Variant type: single nucleotide variant.
Coding change: c.1648G>A on transcript NM_000245.4 (MANE Select); coding-DNA position 1648, G replaced by A.
Protein change: p.Glu550Lys; replaces glutamic acid 550 with lysine.
Molecular consequence: missense variant.
Genome position (GRCh38, 1-based): chr7:116,740,972, G>A. VCF-style: chr7-116740972-G-A. GRCh37 (hg19) VCF-style: chr7-116381026-G-A.
Other names: c.1648G>A, p.Glu550Lys (NM_001127500.3, NM_001324401.3); c.358G>A, p.Glu120Lys (NM_001324402.2); short protein forms E120K, E550K.
Identifiers: ClinVar variation 1320981 (VCV001320981.4), dbSNP rs561347675, ClinGen allele CA4448216.

ClinVar aggregate classification (germline): Conflicting classifications of pathogenicity. Review status: criteria provided, conflicting classifications (1 of 4 stars). 2 submissions from 2 submitters: Uncertain significance (1); Likely benign (1). Last evaluated 2024-08-21.

Conditions:
Hereditary cancer-predisposing syndrome. Also called: Hereditary neoplastic syndrome; Neoplastic Syndromes, Hereditary; Tumor predisposition; Hereditary Cancer Syndrome. Identifiers: Orphanet 140162, MedGen C0027672, MeSH D009386, MONDO:0015356.

Allele frequency attached by ClinVar (database versions not stated): gnomAD exomes below 0.00001; TOPMed below 0.00001; ExAC 0.00001; gnomAD 0.00001; 1000 Genomes Project 30x 0.00016; 1000 Genomes Project 0.00020.
gnomAD v4.1: 1 of 1,613,948 alleles (0.000062%); highest among the groups gnomAD compares: African/African-American, 0.0013%; no homozygotes.

Submissions (2):

Ambry Genetics
Classification: Likely benign for Hereditary cancer-predisposing syndrome. Last evaluated: 2024-08-21. Review status: criteria provided, single submitter. Criteria: Ambry Variant Classification Scheme 2023. Collection method: clinical testing. Allele origin: germline.

GeneDx
Classification: Uncertain significance. Last evaluated: 2024-03-20. Review status: criteria provided, single submitter. Criteria: GeneDx Variant Classification Process June 2021. Collection method: clinical testing. Allele origin: germline. Affected: yes.
Comment: Not observed at significant frequency in large population cohorts (gnomAD); In silico analysis supports that this missense variant has a deleterious effect on protein structure/function; Has not been previously published as pathogenic or benign to our knowledge